The following is an entry in ClinVar:

ClinVar aggregate classification (germline): Pathogenic (1 of 4 stars; one submission).

Conditions:
Congenital lactic acidosis, Saguenay-Lac-Saint-Jean type (MC4DN5). Also called: CYTOCHROME c OXIDASE DEFICIENCY, FRENCH CANADIAN TYPE; COX DEFICIENCY, FRENCH CANADIAN TYPE; MITOCHONDRIAL COMPLEX IV DEFICIENCY, NUCLEAR TYPE 5. Identifiers: Orphanet 70472, MedGen C1857355, MONDO:0009069, OMIM 220111.

Submission:

Myriad Genetics, Inc.
Classification: Pathogenic for Congenital lactic acidosis, Saguenay-Lac-Saint-Jean type. Last evaluated: 2023-09-15. Review status: criteria provided, single submitter. Criteria: Myriad Autosomal Dominant, Autosomal Recessive and X-Linked Classification Criteria (2023). Collection method: clinical testing. Allele origin: unknown.
Comment: NM_133259.3(LRPPRC):c.98_99ins8(L34Sfs*23) is expected to be pathogenic in the context of Leigh syndrome, French-Canadian type. This variant is predicted to lead to an abnormal or absent protein product due to the creation of a premature termination codon in LRPPRC, a gene where loss-of-function variants are known to be pathogenic. Please note: this variant was assessed in the context of healthy population screening.

NM_133259.4(LRPPRC):c.98_99insATCGTCGT (p.Leu34fs)

Gene: LRPPRC (leucine rich pentatricopeptide repeat containing; minus strand). Cytogenetic location: 2p21.
Variant type: Insertion.
Coding change: c.98_99insATCGTCGT on transcript NM_133259.4 (MANE Select); coding-DNA positions 98 to 99, ATCGTCGT inserted.
Protein change: p.Leu34fs; shifts the reading frame from leucine 34.
Molecular consequence: frameshift variant.
Genome position: GRCh38 VCF-style: chr2-43995849-C-CACGACGAT. GRCh37 (hg19) VCF-style: chr2-44222988-C-CACGACGAT.
Other names: short protein forms L34fs.
Identifiers: ClinVar variation 5011673 (VCV005011673.1).